The following is an entry in ClinVar:

ClinVar aggregate classification (germline): Uncertain significance (1 of 4 stars; one submission).

Conditions:
Cardiovascular phenotype. Identifiers: MedGen CN230736.

Allele frequency attached by ClinVar (database versions not stated): gnomAD exomes below 0.00001; TOPMed below 0.00001; gnomAD 0.00001.
gnomAD v4.1: 3 of 1,600,372 alleles (0.00019%); highest among the groups gnomAD compares: Non-Finnish European, 0.00026%; no homozygotes.

Submission:

Ambry Genetics
Classification: Uncertain significance for Cardiovascular phenotype. Last evaluated: 2020-03-25. Review status: criteria provided, single submitter. Criteria: Ambry Variant Classification Scheme 2023. Collection method: clinical testing. Allele origin: germline.
Comment: The p.V19736A variant (also known as c.59207T>C), located in coding exon 153 of the TTN gene, results from a T to C substitution at nucleotide position 59207. The valine at codon 19736 is replaced by alanine, an amino acid with similar properties. This amino acid position is poorly conserved in available vertebrate species. In addition, this alteration is predicted to be tolerated by in silico analysis. Since supporting evidence is limited at this time, the clinical significance of this alteration remains unclear.

NM_001267550.2(TTN):c.86402T>C (p.Val28801Ala)

Genes: TTN-AS1 (TTN antisense RNA 1; plus strand), TTN (titin; minus strand). Cytogenetic location: 2q31.2.
Variant type: single nucleotide variant.
Coding change: c.86402T>C on transcript NM_001267550.2 (MANE Select); coding-DNA position 86402, T replaced by C.
Protein change: p.Val28801Ala; replaces valine 28801 with alanine.
Molecular consequence: missense variant.
Genome position (GRCh38, 1-based): chr2:178,559,730, A>G on the plus strand (T>C on the coding strand, the complement: TTN is on the minus strand). VCF-style: chr2-178559730-A-G. GRCh37 (hg19) VCF-style: chr2-179424457-A-G.
Other names: c.81479T>C, p.Val27160Ala (NM_001256850.1); c.59207T>C, p.Val19736Ala (NM_003319.4); c.78698T>C, p.Val26233Ala (NM_133378.4); c.59582T>C, p.Val19861Ala (NM_133432.3); c.59783T>C, p.Val19928Ala (NM_133437.4); short protein forms V26233A, V19736A, V19928A, V27160A, V19861A, V28801A.
Identifiers: ClinVar variation 1750510 (VCV001750510.2), dbSNP rs994118977, ClinGen allele CA60983918.
Genomic context (GRCh38, chr2:178,559,730, plus strand): 5'-CCAGAGTCATTTCTGTTGGCATTTTCAATGGTCAGTGATGTACGAGAGTCTGTGGTATCA[A>G]CATAAGCTCTAGTACGGAGGTCAGTGTCTGGCTTACTCCACAAGACATTGGGTACTGGTC-3'
Protein context (NP_001254479.2, residues 28791-28811): PDTDLRTRAY[Val28801Ala]DTTDSRTSLT